The following is an entry in ClinVar:

ClinVar aggregate classification (germline): Uncertain significance. Review status: criteria provided, multiple submitters, no conflicts (2 of 4 stars). 2 submissions from 2 submitters: Uncertain significance (2). Last evaluated 2022-09-24.

Allele frequency attached by ClinVar (database versions not stated): TOPMed below 0.00001; gnomAD exomes 0.00001.
gnomAD v4.1: 4 of 1,614,192 alleles (0.00025%); highest among the groups gnomAD compares: Non-Finnish European, 0.00025%; no homozygotes.

Submissions (2):

Labcorp Genetics (formerly Invitae), Labcorp
Classification: Uncertain significance. Last evaluated: 2022-09-24. Review status: criteria provided, single submitter. Criteria: Invitae Variant Classification Sherloc (09022015). Collection method: clinical testing. Allele origin: germline.
Comment: This sequence change replaces isoleucine, which is neutral and non-polar, with valine, which is neutral and non-polar, at codon 707 of the EMC1 protein (p.Ile707Val). This variant is present in population databases (no rsID available, gnomAD 0.0009%). This variant has not been reported in the literature in individuals affected with EMC1-related conditions. Advanced modeling of protein sequence and biophysical properties (such as structural, functional, and spatial information, amino acid conservation, physicochemical variation, residue mobility, and thermodynamic stability) performed at Invitae indicates that this missense variant is not expected to disrupt EMC1 protein function. In summary, the available evidence is currently insufficient to determine the role of this variant in disease. Therefore, it has been classified as a Variant of Uncertain Significance.

Blueprint Genetics
Classification: Uncertain significance. Last evaluated: 2021-02-03. Review status: criteria provided, single submitter. Criteria: ACMG Guidelines, 2015. Collection method: clinical testing. Allele origin: germline.

NM_015047.3(EMC1):c.2119A>G (p.Ile707Val)

Genes: EMC1 (ER membrane protein complex subunit 1; minus strand), EMC1-AS1 (EMC1 antisense RNA 1; plus strand). Cytogenetic location: 1p36.13.
Variant type: single nucleotide variant.
Coding change: c.2119A>G on transcript NM_015047.3 (MANE Select); coding-DNA position 2119, A replaced by G.
Protein change: p.Ile707Val; replaces isoleucine 707 with valine.
Molecular consequence: missense variant.
Genome position (GRCh38, 1-based): chr1:19,227,396, T>C on the plus strand (A>G on the coding strand, the complement: EMC1 is on the minus strand). VCF-style: chr1-19227396-T-C. GRCh37 (hg19) VCF-style: chr1-19553890-T-C.
Other names: c.2116A>G, p.Ile706Val (NM_001271427.2, NM_001271428.2); c.2053A>G, p.Ile685Val (NM_001271429.2); c.2128A>G, p.Ile710Val (NM_001375820.1); c.2125A>G, p.Ile709Val (NM_001375821.1); short protein forms I709V, I685V, I707V, I706V, I710V.
Identifiers: ClinVar variation 1962023 (VCV001962023.6), dbSNP rs1328912423, ClinGen allele CA338756976.